The following is an entry in ClinVar:

ClinVar aggregate classification (germline): Uncertain significance. Review status: criteria provided, multiple submitters, no conflicts (2 of 4 stars). 3 submissions from 3 submitters: Uncertain significance (3). Last evaluated 2024-08-31.

Allele frequency attached by ClinVar (database versions not stated): TOPMed 0.00001; ExAC 0.00003.

Submissions (3):

Labcorp Genetics (formerly Invitae), Labcorp
Classification: Uncertain significance. Last evaluated: 2024-08-31. Review status: criteria provided, single submitter. Criteria: Invitae Variant Classification Sherloc (09022015). Collection method: clinical testing. Allele origin: germline.
Comment: This sequence change replaces proline, which is neutral and non-polar, with serine, which is neutral and polar, at codon 451 of the KIF23 protein (p.Pro451Ser). This variant is present in population databases (rs769199373, gnomAD 0.03%). This variant has not been reported in the literature in individuals affected with KIF23-related conditions. Invitae Evidence Modeling of protein sequence and biophysical properties (such as structural, functional, and spatial information, amino acid conservation, physicochemical variation, residue mobility, and thermodynamic stability) indicates that this missense variant is not expected to disrupt KIF23 protein function with a negative predictive value of 80%. In summary, the available evidence is currently insufficient to determine the role of this variant in disease. Therefore, it has been classified as a Variant of Uncertain Significance.

Revvity Omics, Revvity
Classification: Uncertain significance. Last evaluated: 2023-12-12. Review status: criteria provided, single submitter. Criteria: ACMG Guidelines, 2015. Collection method: clinical testing. Allele origin: germline.

Ambry Genetics
Classification: Uncertain significance. Last evaluated: 2023-10-25. Review status: criteria provided, single submitter. Criteria: Ambry Variant Classification Scheme 2023. Collection method: clinical testing. Allele origin: germline.

NM_001367805.3(KIF23):c.1393C>T (p.Pro465Ser)

Gene: KIF23 (kinesin family member 23; plus strand). Cytogenetic location: 15q23.
Variant type: single nucleotide variant.
Coding change: c.1393C>T on transcript NM_001367805.3 (MANE Select); coding-DNA position 1393, C replaced by T.
Protein change: p.Pro465Ser; replaces proline 465 with serine.
Molecular consequence: missense variant. On other transcripts: non-coding transcript variant (2).
Genome position (GRCh38, 1-based): chr15:69,436,216, C>T. VCF-style: chr15-69436216-C-T. GRCh37 (hg19) VCF-style: chr15-69728555-C-T.
Other names: c.1021C>T, p.Pro341Ser (NM_001281301.2); c.1351C>T, p.Pro451Ser (NM_001367804.2, NM_004856.7, NM_138555.4); short protein forms P451S, P465S, P341S.
Identifiers: ClinVar variation 3114676 (VCV003114676.4), dbSNP rs769199373, ClinGen allele CA7635166.